The following is an entry in ClinVar:

NM_001854.4(COL11A1):c.1690C>G (p.Arg564Gly)

Gene: COL11A1 (collagen type XI alpha 1 chain; minus strand). Cytogenetic location: 1p21.1.
Variant type: single nucleotide variant.
Coding change: c.1690C>G on transcript NM_001854.4 (MANE Select); coding-DNA position 1690, C replaced by G.
Protein change: p.Arg564Gly; replaces arginine 564 with glycine.
Molecular consequence: missense variant. On other transcripts: non-coding transcript variant (1).
Genome position (GRCh38, 1-based): chr1:103,006,309, G>C on the plus strand (C>G on the coding strand, the complement: COL11A1 is on the minus strand). VCF-style: chr1-103006309-G-C. GRCh37 (hg19) VCF-style: chr1-103471865-G-C.
Other names: c.1573C>G, p.Arg525Gly (NM_001190709.2); c.1726C>G, p.Arg576Gly (NM_080629.3); c.1342C>G, p.Arg448Gly (NM_080630.4); short protein forms R448G, R525G, R564G, R576G.
Identifiers: ClinVar variation 1220057 (VCV001220057.14), dbSNP rs776268452, ClinGen allele CA974860.
Genomic context (GRCh38, chr1:103,006,309, plus strand): 5'-AAATAAGCCATACCCTTTTTCCAGGTTTTCCCGTTGGACCAGGGGGACCCTGGACGCCTC[G>C]AGGGCCCTATATCAAGACATCATAATTAAACCATATTATAGAATTCTTGATCAATAAACT-3'
Protein context (NP_001845.3, residues 554-574): ESGDPGPQGP[Arg564Gly]GVQGPPGPTG

ClinVar aggregate classification (germline): Uncertain significance. Review status: criteria provided, multiple submitters, no conflicts (2 of 4 stars). 4 submissions from 4 submitters: Uncertain significance (4). Last evaluated 2026-07-19.

Conditions:
COL11A1-related disorder. Also called: COL11A1-related disorders; COL11A1-related condition.
Inborn genetic diseases. Identifiers: MedGen C0950123, MeSH D030342.

Allele frequency attached by ClinVar (database versions not stated): TOPMed 0.00006; gnomAD 0.00007 and 0.00008.
gnomAD v4.1: 17 of 1,607,986 alleles (0.0011%); highest among the groups gnomAD compares: Non-Finnish European, 0.0014%; no homozygotes.

Submissions (4):

PreventionGenetics, part of Exact Sciences
Classification: Uncertain significance for COL11A1-related condition. Last evaluated: 2026-07-19. Review status: criteria provided, single submitter. Criteria: ACMG Guidelines, 2015. Collection method: clinical testing. Allele origin: germline.
Comment: The COL11A1 c.1690C>G variant is predicted to result in the amino acid substitution p.Arg564Gly. To our knowledge, this variant has not been reported in the literature. This variant is reported in 0.0016% of alleles in individuals of European (Non-Finnish) descent in gnomAD. At this time, the clinical significance of this variant is uncertain due to the absence of conclusive functional and genetic evidence.

Labcorp Genetics (formerly Invitae), Labcorp
Classification: Uncertain significance. Last evaluated: 2025-12-22. Review status: criteria provided, single submitter. Criteria: Invitae Variant Classification Sherloc (09022015). Collection method: clinical testing. Allele origin: germline.
Comment: This sequence change replaces arginine, which is basic and polar, with glycine, which is neutral and non-polar, at codon 564 of the COL11A1 protein (p.Arg564Gly). This variant is present in population databases (rs776268452, gnomAD 0.002%). This variant has not been reported in the literature in individuals affected with COL11A1-related conditions. ClinVar contains an entry for this variant (Variation ID: 1220057). Invitae Evidence Modeling of protein sequence and biophysical properties (such as structural, functional, and spatial information, amino acid conservation, physicochemical variation, residue mobility, and thermodynamic stability) indicates that this missense variant is expected to disrupt COL11A1 protein function with a positive predictive value of 80%. In summary, the available evidence is currently insufficient to determine the role of this variant in disease. Therefore, it has been classified as a Variant of Uncertain Significance.

Ambry Genetics
Classification: Uncertain significance for Inborn genetic diseases. Last evaluated: 2025-02-14. Review status: criteria provided, single submitter. Criteria: Ambry Variant Classification Scheme 2023. Collection method: clinical testing. Allele origin: germline.

GeneDx
Classification: Uncertain significance. Last evaluated: 2023-12-13. Review status: criteria provided, single submitter. Criteria: GeneDx Variant Classification Process June 2021. Collection method: clinical testing. Allele origin: germline. Affected: yes.
Comment: Has not been previously published as pathogenic or benign to our knowledge; In silico analysis supports that this missense variant has a deleterious effect on protein structure/function